The following is an entry in ClinVar:

ClinVar aggregate classification (germline): Uncertain significance (1 of 4 stars; one submission).

Conditions:
Idiopathic generalized epilepsy. Also called: Generalised epilepsy; EIG. Identifiers: MedGen C0270850, MONDO:0005579, OMIM 600669.
Hyperaldosteronism, familial, type IV (HALD4). Also called: FH IV; ALDOSTERONISM, PRIMARY, AND HYPERTENSION. Identifiers: Orphanet 642671, MedGen C4310756, MONDO:0014875, OMIM 617027.

Submission:

Labcorp Genetics (formerly Invitae), Labcorp
Classification: Uncertain significance for Idiopathic generalized epilepsy; Hyperaldosteronism, familial, type IV. Last evaluated: 2022-06-14. Review status: criteria provided, single submitter. Criteria: Invitae Variant Classification Sherloc (09022015). Collection method: clinical testing. Allele origin: germline.
Comment: This sequence change replaces arginine, which is basic and polar, with leucine, which is neutral and non-polar, at codon 38 of the CACNA1H protein (p.Arg38Leu). Information on the frequency of this variant in the gnomAD database is not available, as this variant may be reported differently in the database. This variant has not been reported in the literature in individuals affected with CACNA1H-related conditions. Algorithms developed to predict the effect of missense changes on protein structure and function are either unavailable or do not agree on the potential impact of this missense change (SIFT: "Not Available"; PolyPhen-2: "Benign"; Align-GVGD: "Not Available"). In summary, the available evidence is currently insufficient to determine the role of this variant in disease. Therefore, it has been classified as a Variant of Uncertain Significance.

NM_021098.3(CACNA1H):c.113_114delinsTT (p.Arg38Leu)

Gene: CACNA1H (calcium voltage-gated channel subunit alpha1 H; plus strand). Cytogenetic location: 16p13.3.
Variant type: Indel.
Coding change: c.113_114delinsTT on transcript NM_021098.3 (MANE Select); coding-DNA positions 113 to 114, GC replaced by TT.
Protein change: p.Arg38Leu; replaces arginine 38 with leucine.
Molecular consequence: missense variant.
Genome position (GRCh38, 1-based): chr16:1,153,850-1,153,851, GC replaced by TT. VCF-style: chr16-1153850-GC-TT. GRCh37 (hg19) VCF-style: chr16-1203850-GC-TT.
Other names: c.113_114delinsTT, p.Arg38Leu (NM_001005407.2); short protein forms R38L.
Identifiers: ClinVar variation 2005533 (VCV002005533.4), dbSNP rs2548479260, ClinGen allele CA2580090389.